The following is an entry in ClinVar:

ClinVar aggregate classification (germline): Uncertain significance (1 of 4 stars; one submission).

Conditions:
MOGS-congenital disorder of glycosylation. Also called: CDG IIb; GLUCOSIDASE I DEFICIENCY; CDG 2B; MOGS-CDG. Identifiers: Orphanet 79330, MedGen C1853736, MONDO:0011629, OMIM 606056.

Submission:

Labcorp Genetics (formerly Invitae), Labcorp
Classification: Uncertain significance for MOGS-congenital disorder of glycosylation. Last evaluated: 2024-07-22. Review status: criteria provided, single submitter. Criteria: Invitae Variant Classification Sherloc (09022015). Collection method: clinical testing. Allele origin: germline.
Comment: This sequence change replaces phenylalanine, which is neutral and non-polar, with leucine, which is neutral and non-polar, at codon 150 of the MOGS protein (p.Phe150Leu). This variant is present in population databases (rs745365349, gnomAD 0.01%). This variant has not been reported in the literature in individuals affected with MOGS-related conditions. Advanced modeling of protein sequence and biophysical properties (such as structural, functional, and spatial information, amino acid conservation, physicochemical variation, residue mobility, and thermodynamic stability) performed at Invitae indicates that this missense variant is not expected to disrupt MOGS protein function with a negative predictive value of 80%. In summary, the available evidence is currently insufficient to determine the role of this variant in disease. Therefore, it has been classified as a Variant of Uncertain Significance.

NM_006302.3(MOGS):c.450C>G (p.Phe150Leu)

Gene: MOGS (mannosyl-oligosaccharide glucosidase; minus strand). Cytogenetic location: 2p13.1.
Variant type: single nucleotide variant.
Coding change: c.450C>G on transcript NM_006302.3 (MANE Select); coding-DNA position 450, C replaced by G.
Protein change: p.Phe150Leu; replaces phenylalanine 150 with leucine.
Molecular consequence: missense variant.
Genome position (GRCh38, 1-based): chr2:74,464,625, G>C on the plus strand (C>G on the coding strand, the complement: MOGS is on the minus strand). VCF-style: chr2-74464625-G-C. GRCh37 (hg19) VCF-style: chr2-74691752-G-C.
Other names: c.132C>G, p.Phe44Leu (NM_001146158.2); short protein forms F150L, F44L.
Identifiers: ClinVar variation 3656025 (VCV003656025.2).